The following is an entry in ClinVar:

ClinVar aggregate classification (germline): Uncertain significance (1 of 4 stars; one submission).

Conditions:
Developmental and epileptic encephalopathy, 11 (DEE11). Also called: Early infantile epileptic encephalopathy 11. Identifiers: Orphanet 1934, MedGen C3150987, MONDO:0013388, OMIM 613721.
Seizures, benign familial infantile, 3 (BFIS3). Also called: CONVULSIONS, BENIGN FAMILIAL INFANTILE, 3; Familial neonatal seizures. Identifiers: Orphanet 140927, Orphanet 306, MedGen C1843140, MONDO:0011904, OMIM 607745.

Submission:

Labcorp Genetics (formerly Invitae), Labcorp
Classification: Uncertain significance for Seizures, benign familial infantile, 3; Developmental and epileptic encephalopathy, 11. Last evaluated: 2020-06-22. Review status: criteria provided, single submitter. Criteria: Invitae Variant Classification Sherloc (09022015). Collection method: clinical testing. Allele origin: germline.
Comment: This sequence change replaces valine with alanine at codon 1601 of the SCN2A protein (p.Val1601Ala). The valine residue is highly conserved and there is a small physicochemical difference between valine and alanine. This variant is not present in population databases (ExAC no frequency). This variant has not been reported in the literature in individuals with SCN2A-related conditions. Algorithms developed to predict the effect of missense changes on protein structure and function are either unavailable or do not agree on the potential impact of this missense change (SIFT: "Deleterious"; PolyPhen-2: "Possibly Damaging"; Align-GVGD: "Class C0"). In summary, the available evidence is currently insufficient to determine the role of this variant in disease. Therefore, it has been classified as a Variant of Uncertain Significance.

NM_001040142.2(SCN2A):c.4802T>C (p.Val1601Ala)

Gene: SCN2A (sodium voltage-gated channel alpha subunit 2; plus strand). Cytogenetic location: 2q24.3.
Variant type: single nucleotide variant.
Coding change: c.4802T>C on transcript NM_001040142.2 (MANE Select); coding-DNA position 4802, T replaced by C.
Protein change: p.Val1601Ala; replaces valine 1601 with alanine.
Molecular consequence: missense variant.
Genome position (GRCh38, 1-based): chr2:165,386,996, T>C. VCF-style: chr2-165386996-T-C. GRCh37 (hg19) VCF-style: chr2-166243506-T-C.
Other names: c.4802T>C, p.Val1601Ala (NM_001040143.2, NM_001371246.1, NM_001371247.1 and 1 more transcripts); short protein forms V1601A.
Identifiers: ClinVar variation 1036960 (VCV001036960.9), dbSNP rs1701908419, ClinGen allele CA349036918.